The following is an entry in ClinVar:

ClinVar aggregate classification (germline): Uncertain significance. Review status: criteria provided, multiple submitters, no conflicts (2 of 4 stars). 6 submissions from 6 submitters: Uncertain significance (5). 1 of the submissions does not count toward it. Last evaluated 2025-09-08.

Conditions:
Inborn genetic diseases. Identifiers: MedGen C0950123, MeSH D030342.
RYR1-related disorder. Also called: RYR1-related condition; RYR1-related disorders. Identifiers: MedGen CN239331.
Malignant hyperthermia, susceptibility to, 1 (MHS1). Also called: Malignant hyperthermia suceptibility 1; RYR1-Related Malignant Hyperthermia Susceptibility; Anesthesia related hyperthermia; Malignant hyperpyrexia; Fulminating hyperpyrexia; Pharmacogenic myopathy. Identifiers: Orphanet 423, MedGen C2930980, MONDO:0007783, OMIM 145600.

Allele frequency attached by ClinVar (database versions not stated): gnomAD 0.00001; ExAC 0.00002; TOPMed 0.00002; gnomAD exomes 0.00003.
gnomAD v4.1: 13 of 1,613,222 alleles (0.00081%); highest among the groups gnomAD compares: African/African-American, 0.004%; no homozygotes.

Submissions (6):

Labcorp Genetics (formerly Invitae), Labcorp
Classification: Uncertain significance for RYR1-related disorder. Last evaluated: 2025-09-08. Review status: criteria provided, single submitter. Criteria: Invitae Variant Classification Sherloc (09022015). Collection method: clinical testing. Allele origin: germline.
Comment: This sequence change replaces arginine, which is basic and polar, with cysteine, which is neutral and slightly polar, at codon 727 of the RYR1 protein (p.Arg727Cys). This variant is present in population databases (rs781271902, gnomAD 0.01%). This variant has not been reported in the literature in individuals affected with RYR1-related conditions. ClinVar contains an entry for this variant (Variation ID: 660615). Invitae Evidence Modeling of protein sequence and biophysical properties (such as structural, functional, and spatial information, amino acid conservation, physicochemical variation, residue mobility, and thermodynamic stability) has been performed for this missense variant. However, the output from this modeling did not meet the statistical confidence thresholds required to predict the impact of this variant on RYR1 protein function. In summary, the available evidence is currently insufficient to determine the role of this variant in disease. Therefore, it has been classified as a Variant of Uncertain Significance.

Ambry Genetics
Classification: Uncertain significance for Inborn genetic diseases. Last evaluated: 2025-08-30. Review status: criteria provided, single submitter. Criteria: Ambry Variant Classification Scheme 2023. Collection method: clinical testing. Allele origin: germline.

All of Us Research Program, National Institutes of Health
Classification: Uncertain significance for Malignant hyperthermia, susceptibility to, 1. Last evaluated: 2024-09-23. Review status: criteria provided, single submitter. Criteria: ACMG Guidelines, 2015. Collection method: clinical testing. Allele origin: germline. Inheritance: Autosomal dominant inheritance. Observed: 8 variant alleles, 8 heterozygotes.
Comment: This missense variant replaces arginine with cysteine at codon 727 of the RYR1 protein. Computational prediction is inconclusive regarding the impact of this variant on protein structure and function (internally defined REVEL score threshold 0.5 < inconclusive < 0.7, PMID: 27666373). To our knowledge, functional studies have not been reported for this variant. This variant has not been reported in individuals affected with RYR1-related disorders in the literature. This variant has been identified in 8/282346 chromosomes in the general population by the Genome Aggregation Database (gnomAD). The available evidence is insufficient to determine the role of this variant in disease conclusively. Therefore, this variant is classified as a Variant of Uncertain Significance.

This study involves interpretation of variants in research participants for the purpose of population health screening. Participant phenotype was not available at the time of variant classification. Additional details can be found in publication PMID: 35346344, PMCID: PMC8962531

Color Diagnostics, LLC DBA Color Health
Classification: Uncertain significance for Malignant hyperthermia, susceptibility to, 1. Last evaluated: 2024-04-05. Review status: criteria provided, single submitter. Criteria: ACMG Guidelines, 2015. Collection method: clinical testing. Allele origin: germline.
Comment: This missense variant replaces arginine with cysteine at codon 727 of the RYR1 protein. Computational prediction is inconclusive regarding the impact of this variant on protein structure and function. To our knowledge, functional studies have not been reported for this variant. This variant has not been reported in individuals affected with RYR1-related disorders in the literature. This variant has been identified in 8/282346 chromosomes in the general population by the Genome Aggregation Database (gnomAD). The available evidence is insufficient to determine the role of this variant in disease conclusively. Therefore, this variant is classified as a Variant of Uncertain Significance.

Revvity Omics, Revvity
Classification: Uncertain significance. Last evaluated: 2021-05-26. Review status: criteria provided, single submitter. Criteria: ACMG Guidelines, 2015. Collection method: clinical testing. Allele origin: germline.

PreventionGenetics, part of Exact Sciences
Classification: Uncertain significance for RYR1-related condition. Last evaluated: 2024-04-26. Review status: no assertion criteria provided. Collection method: clinical testing. Allele origin: germline. Not counted in ClinVar's aggregate classification.
Comment: The RYR1 c.2179C>T variant is predicted to result in the amino acid substitution p.Arg727Cys. To our knowledge, this variant has not been reported in the literature. This variant is reported in 0.0096% of alleles in individuals of Ashkenazi Jewish descent in gnomAD. At this time, the clinical significance of this variant is uncertain due to the absence of conclusive functional and genetic evidence.

NM_000540.3(RYR1):c.2179C>T (p.Arg727Cys)

Gene: RYR1 (ryanodine receptor 1; plus strand). Cytogenetic location: 19q13.2.
Variant type: single nucleotide variant.
Coding change: c.2179C>T on transcript NM_000540.3 (MANE Select); coding-DNA position 2179, C replaced by T.
Protein change: p.Arg727Cys; replaces arginine 727 with cysteine.
Molecular consequence: missense variant.
Genome position (GRCh38, 1-based): chr19:38,459,157, C>T. VCF-style: chr19-38459157-C-T. GRCh37 (hg19) VCF-style: chr19-38949797-C-T.
Other names: c.2179C>T, p.Arg727Cys (NM_001042723.2); short protein forms R727C.
Identifiers: ClinVar variation 660615 (VCV000660615.11), dbSNP rs781271902, ClinGen allele CA062983.